The following is an entry in ClinVar:

NM_004260.4(RECQL4):c.2756-6C>T

Gene: RECQL4 (RecQ like helicase 4; minus strand). Cytogenetic location: 8q24.3.
Variant type: single nucleotide variant.
Coding change: c.2756-6C>T on transcript NM_004260.4 (MANE Select); 6 bases into the intron before coding-DNA position 2756, C replaced by T.
Molecular consequence: intron variant.
Genome position (GRCh38, 1-based): chr8:144,512,777, G>A on the plus strand (C>T on the coding strand, the complement: RECQL4 is on the minus strand). VCF-style: chr8-144512777-G-A. GRCh37 (hg19) VCF-style: chr8-145738160-G-A.
Identifiers: ClinVar variation 407014 (VCV000407014.32), dbSNP rs369289550, ClinGen allele CA4948089.

ClinVar aggregate classification (germline): Conflicting classifications of pathogenicity. Review status: criteria provided, conflicting classifications (1 of 4 stars). 4 submissions from 4 submitters: Uncertain significance (2); Likely benign (2). Last evaluated 2025-10-01.

Conditions:
Hereditary cancer-predisposing syndrome. Also called: Neoplastic Syndromes, Hereditary; Hereditary neoplastic syndrome; Tumor predisposition; Hereditary Cancer Syndrome. Identifiers: Orphanet 140162, MedGen C0027672, MeSH D009386, MONDO:0015356.
Baller-Gerold syndrome (BGS). Also called: CRANIOSYNOSTOSIS WITH RADIAL DEFECTS. Identifiers: Orphanet 1225, MedGen C0265308, MONDO:0009039, OMIM 218600.

Allele frequency attached by ClinVar (database versions not stated): ExAC 0.00002; gnomAD exomes 0.00002 and 0.00003; gnomAD 0.00004; TOPMed 0.00006; ESP Exome Variant Server 0.00016.

Submissions (4):

Labcorp Genetics (formerly Invitae), Labcorp
Classification: Likely benign for Baller-Gerold syndrome. Last evaluated: 2025-10-01. Review status: criteria provided, single submitter. Criteria: Invitae Variant Classification Sherloc (09022015). Collection method: clinical testing. Allele origin: germline.

CeGaT Center for Human Genetics Tuebingen
Classification: Uncertain significance. Last evaluated: 2024-03-01. Review status: criteria provided, single submitter. Criteria: CeGaT Center For Human Genetics Tuebingen Variant Classification Criteria Version 2. Collection method: clinical testing. Allele origin: germline. Affected: yes. Observed: 1 variant allele.
Comment: RECQL4: PM2, BP4

Blueprint Genetics
Classification: Likely benign. Last evaluated: 2024-02-07. Review status: criteria provided, single submitter. Criteria: ACMG Guidelines, 2015. Collection method: clinical testing. Allele origin: germline.

Sema4
Classification: Uncertain significance for Hereditary cancer-predisposing syndrome. Last evaluated: 2022-02-21. Review status: criteria provided, single submitter. Criteria: Sema4 Curation Guidelines. Collection method: curation. Allele origin: germline.
Comment: The RECQL4 c.2756-6C>T variant has not been reported in the literature to our knowledge. This variant was observed in 6/126226 chromosomes in the Non-Finnish European population according to the Genome Aggregation Database (PMID: 32461654). This variant has been reported in ClinVar (Variation ID: 407014). In silico tools do not suggest negative effect on normal splicing, though these predictions have not been confirmed by functional studies. The evidence is insufficient to meet ACMG/AMP criteria for classifying the variant as benign or pathogenic. Thus, the clinical significance of this variant is currently uncertain.